The following is an entry in ClinVar:

ClinVar aggregate classification (germline): Uncertain significance (1 of 4 stars; one submission).

Conditions:
Norman-Roberts syndrome (LIS2). Also called: Lissencephaly 2 (Norman-Roberts type). Identifiers: Orphanet 89844, MedGen C0796089, MONDO:0009760, OMIM 257320.
Familial temporal lobe epilepsy 7. Identifiers: Orphanet 101046, MedGen C4225327, MONDO:0014639, OMIM 616436.

Allele frequency attached by ClinVar (database versions not stated): TOPMed below 0.00001.

Submission:

Labcorp Genetics (formerly Invitae), Labcorp
Classification: Uncertain significance for Familial temporal lobe epilepsy 7; Norman-Roberts syndrome. Last evaluated: 2025-10-10. Review status: criteria provided, single submitter. Criteria: Invitae Variant Classification Sherloc (09022015). Collection method: clinical testing. Allele origin: germline.
Comment: This sequence change replaces leucine, which is neutral and non-polar, with valine, which is neutral and non-polar, at codon 828 of the RELN protein (p.Leu828Val). This variant is not present in population databases (gnomAD no frequency). This variant has not been reported in the literature in individuals affected with RELN-related conditions. ClinVar contains an entry for this variant (Variation ID: 835476). Invitae Evidence Modeling of protein sequence and biophysical properties (such as structural, functional, and spatial information, amino acid conservation, physicochemical variation, residue mobility, and thermodynamic stability) indicates that this missense variant is not expected to disrupt RELN protein function with a negative predictive value of 80%. In summary, the available evidence is currently insufficient to determine the role of this variant in disease. Therefore, it has been classified as a Variant of Uncertain Significance.

NM_005045.4(RELN):c.2482C>G (p.Leu828Val)

Gene: RELN (reelin; minus strand). Cytogenetic location: 7q22.1.
Variant type: single nucleotide variant.
Coding change: c.2482C>G on transcript NM_005045.4 (MANE Select); coding-DNA position 2482, C replaced by G.
Protein change: p.Leu828Val; replaces leucine 828 with valine.
Molecular consequence: missense variant.
Genome position (GRCh38, 1-based): chr7:103,630,160, G>C on the plus strand (C>G on the coding strand, the complement: RELN is on the minus strand). VCF-style: chr7-103630160-G-C. GRCh37 (hg19) VCF-style: chr7-103270607-G-C.
Other names: c.2482C>G, p.Leu828Val (NM_173054.3); short protein forms L828V.
Identifiers: ClinVar variation 835476 (VCV000835476.9), dbSNP rs1832419963, ClinGen allele CA368759066.